The following is an entry in ClinVar:

ClinVar aggregate classification (germline): Uncertain significance (1 of 4 stars; one submission).

Conditions:
Common variable immunodeficiency (CVID). Also called: Common variable hypogamma-globulinemia; Common variable agammaglobulinemia. Identifiers: Orphanet 1572, MedGen C0009447, MONDO:0015517.

Submission:

Labcorp Genetics (formerly Invitae), Labcorp
Classification: Uncertain significance for Common variable immunodeficiency. Last evaluated: 2023-12-28. Review status: criteria provided, single submitter. Criteria: Invitae Variant Classification Sherloc (09022015). Collection method: clinical testing. Allele origin: germline.
Comment: This sequence change replaces proline, which is neutral and non-polar, with leucine, which is neutral and non-polar, at codon 81 of the TNFSF12 protein (p.Pro81Leu). This variant is not present in population databases (gnomAD no frequency). This variant has not been reported in the literature in individuals affected with TNFSF12-related conditions. Algorithms developed to predict the effect of missense changes on protein structure and function output the following: SIFT: "Not Available"; PolyPhen-2: "Benign"; Align-GVGD: "Not Available". The leucine amino acid residue is found in multiple mammalian species, which suggests that this missense change does not adversely affect protein function. In summary, the available evidence is currently insufficient to determine the role of this variant in disease. Therefore, it has been classified as a Variant of Uncertain Significance.

NM_003809.3(TNFSF12):c.242C>T (p.Pro81Leu)

Genes: TNFSF12 (TNF superfamily member 12; plus strand), TNFSF12-TNFSF13 (TNFSF12-TNFSF13 readthrough; plus strand). Cytogenetic location: 17p13.1.
Variant type: single nucleotide variant.
Coding change: c.242C>T on transcript NM_003809.3 (MANE Select); coding-DNA position 242, C replaced by T.
Protein change: p.Pro81Leu; replaces proline 81 with leucine.
Molecular consequence: missense variant. On other transcripts: non-coding transcript variant (1).
Genome position (GRCh38, 1-based): chr17:7,550,154, C>T. VCF-style: chr17-7550154-C-T. GRCh37 (hg19) VCF-style: chr17-7453471-C-T.
Other names: c.242C>T, p.Pro81Leu (NM_172089.4); short protein forms P81L.
Identifiers: ClinVar variation 2778507 (VCV002778507.3), dbSNP rs996689091, ClinGen allele CA287462751.